The following is an entry in ClinVar:

NM_024996.7(GFM1):c.1151T>C (p.Ile384Thr)

Gene: GFM1 (G elongation factor mitochondrial 1; plus strand). Cytogenetic location: 3q25.32.
Variant type: single nucleotide variant.
Coding change: c.1151T>C on transcript NM_024996.7 (MANE Select); coding-DNA position 1151, T replaced by C.
Protein change: p.Ile384Thr; replaces isoleucine 384 with threonine.
Molecular consequence: missense variant. On other transcripts: non-coding transcript variant (4), intron variant (1).
Genome position (GRCh38, 1-based): chr3:158,658,989, T>C. VCF-style: chr3-158658989-T-C. GRCh37 (hg19) VCF-style: chr3-158376778-T-C.
Other names: c.1208T>C, p.Ile403Thr (NM_001308164.2); c.1151T>C, p.Ile384Thr (NM_001308166.2); c.1034T>C, p.Ile345Thr (NM_001374356.1); c.926T>C, p.Ile309Thr (NM_001374357.1); c.692T>C, p.Ile231Thr (NM_001374358.1); c.584T>C, p.Ile195Thr (NM_001374359.1, NM_001374360.1); c.467T>C, p.Ile156Thr (NM_001374361.1); c.1141-1885T>C (NM_001374355.1); short protein forms I156T, I195T, I231T, I309T, I345T, I384T, I403T.
Identifiers: ClinVar variation 4855506 (VCV004855506.1).

ClinVar aggregate classification (germline): Uncertain significance (1 of 4 stars; one submission).

Conditions:
Hepatoencephalopathy due to combined oxidative phosphorylation defect type 1. Also called: HEPATOENCEPHALOPATHY, EARLY FATAL PROGRESSIVE. Identifiers: Orphanet 137681, MedGen C1836797, MONDO:0012191, OMIM 609060.

gnomAD v4.1: 1 of 1,614,148 alleles (0.000062%); highest among the groups gnomAD compares: South Asian, 0.0011%; no homozygotes.

Submission:

3billion
Classification: Uncertain significance for Hepatoencephalopathy due to combined oxidative phosphorylation defect type 1. Last evaluated: 2025-08-21. Review status: criteria provided, single submitter. Criteria: ACMG Guidelines, 2015. Collection method: clinical testing. Allele origin: germline. Affected: yes.
Comment: The variant is observed at an extremely low frequency in the gnomAD v4.1.0 dataset (total allele frequency: <0.001%). Predicted Consequence/Location: Missense variant. The majority of the known disease-causing variants of this gene are variants expected to result in premature termination of the protein. In silico tool predictions suggest damaging effect of the variant on gene or gene product [REVEL: 0.85 (>=0.6, sensitivity 0.68 and specificity 0.92); 3Cnet: 0.77 (> 0.75, sensitivity 0.96 and precision 0.92)]. Therefore, this variant is classified as VUS according to the recommendation of ACMG/AMP guideline.